The following is an entry in ClinVar:

ClinVar aggregate classification (germline): Pathogenic (1 of 4 stars; one submission).

Conditions:
Cardiovascular phenotype. Identifiers: MedGen CN230736.
Hereditary cancer-predisposing syndrome. Also called: Neoplastic Syndromes, Hereditary; Tumor predisposition; Hereditary Cancer Syndrome; Hereditary neoplastic syndrome. Identifiers: Orphanet 140162, MedGen C0027672, MeSH D009386, MONDO:0015356.

Submission:

Ambry Genetics
Classification: Pathogenic for Cardiovascular phenotype; Hereditary cancer-predisposing syndrome. Last evaluated: 2025-10-23. Review status: criteria provided, single submitter. Criteria: Ambry Variant Classification Scheme 2023. Collection method: clinical testing. Allele origin: germline.
Comment: The c.7120_7121delTT pathogenic mutation, located in coding exon 47 of the NF1 gene, results from a deletion of two nucleotides at nucleotide positions 7120 to 7121, causing a translational frameshift with a predicted alternate stop codon (p.L2374Kfs*26). This variant was reported in individual(s) with features consistent with neurofibromatosis type 1 (NF1)(Ambry internal data). This variant is considered to be rare based on population cohorts in the Genome Aggregation Database (gnomAD). This alteration is expected to result in loss of function by premature protein truncation or nonsense-mediated mRNA decay. As such, this alteration is interpreted as a disease-causing mutation.

NM_001042492.3(NF1):c.7183_7184del (p.Leu2395fs)

Gene: NF1 (neurofibromin 1; plus strand). Cytogenetic location: 17q11.2.
Variant type: Deletion.
Coding change: c.7183_7184del on transcript NM_001042492.3 (MANE Select); coding-DNA positions 7183 to 7184, 2 bases deleted (TT; older notation c.7183_7184delTT).
Protein change: p.Leu2395fs; shifts the reading frame from leucine 2395.
Molecular consequence: frameshift variant.
Genome position (GRCh38, 1-based): chr17:31,343,129-31,343,130, TT deleted; deleting any 2 consecutive bases within chr17:31,343,127-31,343,130 gives the same sequence; the c. name uses the placement nearest the transcript's 3' end. VCF-style (leftmost placement, unchanged base first): chr17-31343126-CTT-C. GRCh37 (hg19) VCF-style: chr17-29670144-CTT-C.
Other names: c.7120_7121del, p.Leu2374fs (NM_000267.4); short protein forms L2374fs, L2395fs.
Identifiers: ClinVar variation 4615754 (VCV004615754.1).